The following is an entry in ClinVar:

ClinVar aggregate classification (germline): Uncertain significance (1 of 4 stars; one submission).

gnomAD v4.1: 27 of 1,548,112 alleles (0.0017%); highest among the groups gnomAD compares: Non-Finnish European, 0.0022%; no homozygotes.

Submission:

Labcorp Genetics (formerly Invitae), Labcorp
Classification: Uncertain significance. Last evaluated: 2024-06-25. Review status: criteria provided, single submitter. Criteria: Invitae Variant Classification Sherloc (09022015). Collection method: clinical testing. Allele origin: germline.
Comment: This sequence change replaces serine, which is neutral and polar, with leucine, which is neutral and non-polar, at codon 79 of the CAD protein (p.Ser79Leu). This variant is not present in population databases (gnomAD no frequency). This variant has not been reported in the literature in individuals affected with CAD-related conditions. An algorithm developed to predict the effect of missense changes on protein structure and function (PolyPhen-2) suggests that this variant¬†is likely to be tolerated. In summary, the available evidence is currently insufficient to determine the role of this variant in disease. Therefore, it has been classified as a Variant of Uncertain Significance.

NM_004341.5(CAD):c.236C>T (p.Ser79Leu)

Gene: CAD (carbamoyl-phosphate synthetase 2, aspartate transcarbamylase, and dihydroorotase; plus strand). Cytogenetic location: 2p23.3.
Variant type: single nucleotide variant.
Coding change: c.236C>T on transcript NM_004341.5 (MANE Select); coding-DNA position 236, C replaced by T.
Protein change: p.Ser79Leu; replaces serine 79 with leucine.
Molecular consequence: missense variant.
Genome position (GRCh38, 1-based): chr2:27,221,231, C>T. VCF-style: chr2-27221231-C-T. GRCh37 (hg19) VCF-style: chr2-27444099-C-T.
Other names: c.236C>T, p.Ser79Leu (NM_001306079.2); short protein forms S79L.
Identifiers: ClinVar variation 3703811 (VCV003703811.1).